The following is an entry in ClinVar:

ClinVar aggregate classification (germline): Uncertain significance. Review status: criteria provided, multiple submitters, no conflicts (2 of 4 stars). 3 submissions from 3 submitters: Uncertain significance (3). Last evaluated 2022-07-27.

Conditions:
Autosomal dominant epilepsy with auditory features. Identifiers: Orphanet 101046, MedGen C1838062, MONDO:0010898.
Inborn genetic diseases. Identifiers: MedGen C0950123, MeSH D030342.

Allele frequency attached by ClinVar (database versions not stated): gnomAD exomes below 0.00001.
gnomAD v4.1: 8 of 1,614,188 alleles (0.0005%); highest among the groups gnomAD compares: Non-Finnish European, 0.00059%; no homozygotes.

Submissions (3):

GeneDx
Classification: Uncertain significance. Last evaluated: 2022-07-27. Review status: criteria provided, single submitter. Criteria: GeneDx Variant Classification Process June 2021. Collection method: clinical testing. Allele origin: germline. Affected: yes.
Comment: Not observed at significant frequency in large population cohorts (gnomAD); In silico analysis supports that this missense variant has a deleterious effect on protein structure/function; Has not been previously published as pathogenic or benign to our knowledge

Labcorp Genetics (formerly Invitae), Labcorp
Classification: Uncertain significance for Autosomal dominant epilepsy with auditory features. Last evaluated: 2021-08-24. Review status: criteria provided, single submitter. Criteria: Invitae Variant Classification Sherloc (09022015). Collection method: clinical testing. Allele origin: germline.

Ambry Genetics
Classification: Uncertain significance for Inborn genetic diseases. Last evaluated: 2018-06-04. Review status: criteria provided, single submitter. Criteria: Ambry Variant Classification Scheme 2023. Collection method: clinical testing. Allele origin: germline.
Comment: The p.G366A variant (also known as c.1097G>C), located in coding exon 8 of the LGI1 gene, results from a G to C substitution at nucleotide position 1097. The glycine at codon 366 is replaced by alanine, an amino acid with similar properties. This amino acid position is highly conserved in available vertebrate species. In addition, this alteration is predicted to be deleterious by in silico analysis. Since supporting evidence is limited at this time, the clinical significance of this alteration remains unclear.

NM_005097.4(LGI1):c.1097G>C (p.Gly366Ala)

Gene: LGI1 (leucine rich glioma inactivated 1; plus strand). Cytogenetic location: 10q23.33.
Variant type: single nucleotide variant.
Coding change: c.1097G>C on transcript NM_005097.4 (MANE Select); coding-DNA position 1097, G replaced by C.
Protein change: p.Gly366Ala; replaces glycine 366 with alanine.
Molecular consequence: missense variant. On other transcripts: non-coding transcript variant (1), intron variant (1).
Genome position (GRCh38, 1-based): chr10:93,797,226, G>C. VCF-style: chr10-93797226-G-C. GRCh37 (hg19) VCF-style: chr10-95556983-G-C.
Other names: c.953G>C, p.Gly318Ala (NM_001308276.2); c.839-523G>C (NM_001308275.2); short protein forms G318A, G366A.
Identifiers: ClinVar variation 845231 (VCV000845231.9), dbSNP rs2059988287, ClinGen allele CA377627672.
Genomic context (GRCh38, chr10:93,797,226, plus strand): 5'-TTGTTGTTGCTGACAGTTCAAAAGCTGGTTTTACTACCATTTACAAATGGAACGGAAACG[G>C]ATTCTACTCCCATCAATCCTTACACGCGTGGTACAGGGACACTGATGTGGAATATCTAGA-3'
Protein context (NP_005088.1, residues 356-376): FTTIYKWNGN[Gly366Ala]FYSHQSLHAW